The following is an entry in ClinVar:

NM_001267550.2(TTN):c.107510G>A (p.Ser35837Asn)

Genes: TTN-AS1 (TTN antisense RNA 1; plus strand), TTN (titin; minus strand). Cytogenetic location: 2q31.2.
Variant type: single nucleotide variant.
Coding change: c.107510G>A on transcript NM_001267550.2 (MANE Select); coding-DNA position 107510, G replaced by A.
Protein change: p.Ser35837Asn; replaces serine 35837 with asparagine.
Molecular consequence: missense variant.
Genome position (GRCh38, 1-based): chr2:178,527,616, C>T on the plus strand (G>A on the coding strand, the complement: TTN is on the minus strand). VCF-style: chr2-178527616-C-T. GRCh37 (hg19) VCF-style: chr2-179392343-C-T.
Other names: c.102587G>A, p.Ser34196Asn (NM_001256850.1); c.80315G>A, p.Ser26772Asn (NM_003319.4); c.99806G>A, p.Ser33269Asn (NM_133378.4); c.80690G>A, p.Ser26897Asn (NM_133432.3); c.80891G>A, p.Ser26964Asn (NM_133437.4); short protein forms S26772N, S26897N, S26964N, S33269N, S34196N, S35837N.
Identifiers: ClinVar variation 1058369 (VCV001058369.7), dbSNP rs2154130270, ClinGen allele CA349400228.
Genomic context (GRCh38, chr2:178,527,616, plus strand): 5'-GACATGCTTTGGGCAGACATGCTTGCAAATTTCATCTCAGTCATGCTGCTAGCACTGCTG[C>T]TGCTGAAACTGCTGAAGGAGGCCTCCTGCTTGGAGGCAGACATTTGGACTGACTGAGACG-3'
Protein context (NP_001254479.2, residues 35827-35847): KQEASFSSFS[Ser35837Asn]SSASSMTEMK

ClinVar aggregate classification (germline): Uncertain significance (1 of 4 stars; one submission).

Conditions:
Autosomal recessive limb-girdle muscular dystrophy type 2J (LGMDR10). Also called: MUSCULAR DYSTROPHY, LIMB-GIRDLE, AUTOSOMAL RECESSIVE 10; Limb-girdle muscular dystrophy, type 2J. Identifiers: Orphanet 140922, MedGen C1837342, MONDO:0012127, OMIM 608807.
Dilated cardiomyopathy 1G (CMD1G). Identifiers: Orphanet 154, MedGen C1858763, MONDO:0011400, OMIM 604145.

Submission:

Labcorp Genetics (formerly Invitae), Labcorp
Classification: Uncertain significance for Dilated cardiomyopathy 1G; Autosomal recessive limb-girdle muscular dystrophy type 2J. Last evaluated: 2020-03-11. Review status: criteria provided, single submitter. Criteria: Invitae Variant Classification Sherloc (09022015). Collection method: clinical testing. Allele origin: germline.
Comment: In summary, the available evidence is currently insufficient to determine the role of this variant in disease. Therefore, it has been classified as a Variant of Uncertain Significance. Algorithms developed to predict the effect of missense changes on protein structure and function are unavailable for the TTN gene. This variant is located in the M band of TTN (PMID: 25589632). Variants in this region may be relevant for neuromuscular disorders, but have not been definitively shown to cause cardiomyopathy (PMID: 23975875). This variant has not been reported in the literature in individuals with TTN-related conditions. This variant is not present in population databases (ExAC no frequency). This sequence change replaces serine with asparagine at codon 35837 of the TTN protein (p.Ser35837Asn). There is a small physicochemical difference between serine and asparagine.

Literature cited by the submitters: PubMed 25589632; PubMed 23975875.